The following is an entry in ClinVar:

ClinVar aggregate classification (germline): Uncertain significance. Review status: criteria provided, multiple submitters, no conflicts (2 of 4 stars). 2 submissions from 2 submitters: Uncertain significance (2). Last evaluated 2023-12-04.

Conditions:
Hereditary cancer-predisposing syndrome. Also called: Hereditary Cancer Syndrome; Hereditary neoplastic syndrome; Neoplastic Syndromes, Hereditary; Tumor predisposition. Identifiers: Orphanet 140162, MedGen C0027672, MeSH D009386, MONDO:0015356.
Ataxia-telangiectasia syndrome (AT). Also called: Ataxia-telangiectasia, complementation group E; LOUIS-BAR SYNDROME; Cerebello-oculocutaneous telangiectasia; Immunodeficiency with ataxia telangiectasia; Ataxia-telangiectasia, complementation group D; AT, COMPLEMENTATION GROUP C. Identifiers: Orphanet 100, MedGen C0004135, MONDO:0008840, OMIM 208900.

Submissions (2):

Color Diagnostics, LLC DBA Color Health
Classification: Uncertain significance for Hereditary cancer-predisposing syndrome. Last evaluated: 2023-12-04. Review status: criteria provided, single submitter. Criteria: ACMG Guidelines, 2015. Collection method: clinical testing. Allele origin: germline.
Comment: This missense variant replaces isoleucine with threonine at codon 559 of the ATM protein. Computational prediction suggests that this variant may not impact protein structure and function (internally defined REVEL score threshold <= 0.5, PMID: 27666373). To our knowledge, functional studies have not been reported for this variant. This variant has not been reported in individuals affected with ATM-related disorders in the literature. This variant has not been identified in the general population by the Genome Aggregation Database (gnomAD). The available evidence is insufficient to determine the role of this variant in disease conclusively. Therefore, this variant is classified as a Variant of Uncertain Significance.

Labcorp Genetics (formerly Invitae), Labcorp
Classification: Uncertain significance for Ataxia-telangiectasia syndrome. Last evaluated: 2023-06-30. Review status: criteria provided, single submitter. Criteria: Invitae Variant Classification Sherloc (09022015). Collection method: clinical testing. Allele origin: germline.
Comment: Algorithms developed to predict the effect of missense changes on protein structure and function output the following: SIFT: "Not Available"; PolyPhen-2: "Benign"; Align-GVGD: "Not Available". The threonine amino acid residue is found in multiple mammalian species, which suggests that this missense change does not adversely affect protein function. ClinVar contains an entry for this variant (Variation ID: 925774). This variant has not been reported in the literature in individuals affected with ATM-related conditions. This variant is not present in population databases (gnomAD no frequency). This sequence change replaces isoleucine, which is neutral and non-polar, with threonine, which is neutral and polar, at codon 559 of the ATM protein (p.Ile559Thr). In summary, the available evidence is currently insufficient to determine the role of this variant in disease. Therefore, it has been classified as a Variant of Uncertain Significance.

NM_000051.4(ATM):c.1676T>C (p.Ile559Thr)

Gene: ATM (ATM serine/threonine kinase; plus strand). Cytogenetic location: 11q22.3.
Variant type: single nucleotide variant.
Coding change: c.1676T>C on transcript NM_000051.4 (MANE Select); coding-DNA position 1676, T replaced by C.
Protein change: p.Ile559Thr; replaces isoleucine 559 with threonine.
Molecular consequence: missense variant.
Genome position (GRCh38, 1-based): chr11:108,251,905, T>C. VCF-style: chr11-108251905-T-C. GRCh37 (hg19) VCF-style: chr11-108122632-T-C.
Other names: c.1676T>C, p.Ile559Thr (NM_001351834.2); short protein forms I559T.
Identifiers: ClinVar variation 925774 (VCV000925774.6), dbSNP rs2080169884, ClinGen allele CA382535140.